The following is an entry in ClinVar:

NM_001128840.3(CACNA1D):c.4689A>T (p.Glu1563Asp)

Gene: CACNA1D (calcium voltage-gated channel subunit alpha1 D; plus strand). Cytogenetic location: 3p21.1.
Variant type: single nucleotide variant.
Coding change: c.4689A>T on transcript NM_001128840.3 (MANE Select); coding-DNA position 4689, A replaced by T.
Protein change: p.Glu1563Asp; replaces glutamic acid 1563 with aspartic acid.
Molecular consequence: missense variant.
Genome position (GRCh38, 1-based): chr3:53,780,127, A>T. VCF-style: chr3-53780127-A-T. GRCh37 (hg19) VCF-style: chr3-53814154-A-T.
Other names: c.4749A>T, p.Glu1583Asp (NM_000720.4); c.4644A>T, p.Glu1548Asp (NM_001128839.3); short protein forms E1583D, E1548D, E1563D.
Identifiers: ClinVar variation 4719587 (VCV004719587.1).

ClinVar aggregate classification (germline): Uncertain significance (1 of 4 stars; one submission).

Submission:

Labcorp Genetics (formerly Invitae), Labcorp
Classification: Uncertain significance. Last evaluated: 2025-05-14. Review status: criteria provided, single submitter. Criteria: Invitae Variant Classification Sherloc (09022015). Collection method: clinical testing. Allele origin: germline.
Comment: This sequence change replaces glutamic acid, which is acidic and polar, with aspartic acid, which is acidic and polar, at codon 1583 of the CACNA1D protein (p.Glu1583Asp). This variant is not present in population databases (gnomAD no frequency). This variant has not been reported in the literature in individuals affected with CACNA1D-related conditions. An algorithm developed to predict the effect of missense changes on protein structure and function (PolyPhen-2) suggests that this variant is likely to be disruptive. In summary, the available evidence is currently insufficient to determine the role of this variant in disease. Therefore, it has been classified as a Variant of Uncertain Significance.